The following is an entry in ClinVar:

NM_002661.5(PLCG2):c.2039A>G (p.Tyr680Cys)

Gene: PLCG2 (phospholipase C gamma 2; plus strand). Cytogenetic location: 16q23.3.
Variant type: single nucleotide variant.
Coding change: c.2039A>G on transcript NM_002661.5 (MANE Select); coding-DNA position 2039, A replaced by G.
Protein change: p.Tyr680Cys; replaces tyrosine 680 with cysteine.
Molecular consequence: missense variant.
Genome position (GRCh38, 1-based): chr16:81,912,701, A>G. VCF-style: chr16-81912701-A-G. GRCh37 (hg19) VCF-style: chr16-81946306-A-G.
Other names: short protein forms Y680C.
Identifiers: ClinVar variation 573261 (VCV000573261.10), dbSNP rs758450563, ClinGen allele CA8194045.

ClinVar aggregate classification (germline): Uncertain significance (1 of 4 stars; one submission).

Conditions:
Familial cold autoinflammatory syndrome 3 (FCAS3). Also called: FAMILIAL ATYPICAL COLD URTICARIA; ANTIBODY DEFICIENCY AND IMMUNE DYSREGULATION, PLCG2-ASSOCIATED. Identifiers: Orphanet 300359, MedGen C3280914, MONDO:0013766, OMIM 614468.

Allele frequency attached by ClinVar (database versions not stated): ExAC 0.00001; gnomAD 0.00001; gnomAD exomes 0.00001 and 0.00002; TOPMed 0.00001.
gnomAD v4.1: 12 of 1,608,752 alleles (0.00075%); highest among the groups gnomAD compares: African/African-American, 0.0013%; no homozygotes.

Submission:

Labcorp Genetics (formerly Invitae), Labcorp
Classification: Uncertain significance for Familial cold autoinflammatory syndrome 3. Last evaluated: 2024-07-23. Review status: criteria provided, single submitter. Criteria: Invitae Variant Classification Sherloc (09022015). Collection method: clinical testing. Allele origin: germline.
Comment: This sequence change replaces tyrosine, which is neutral and polar, with cysteine, which is neutral and slightly polar, at codon 680 of the PLCG2 protein (p.Tyr680Cys). This variant is present in population databases (rs758450563, gnomAD 0.07%). This variant has not been reported in the literature in individuals affected with PLCG2-related conditions. ClinVar contains an entry for this variant (Variation ID: 573261). An algorithm developed to predict the effect of missense changes on protein structure and function (PolyPhen-2) suggests that this variant is likely to be tolerated. In summary, the available evidence is currently insufficient to determine the role of this variant in disease. Therefore, it has been classified as a Variant of Uncertain Significance.